The following is an entry in ClinVar:

ClinVar aggregate classification (germline): Conflicting classifications of pathogenicity. Review status: criteria provided, conflicting classifications (1 of 4 stars). 2 submissions from 2 submitters: Uncertain significance (1); Likely benign (1). Last evaluated 2023-03-27.

Conditions:
Myofibrillar myopathy 4. Also called: Zaspopathy (type). Identifiers: Orphanet 98912, MedGen C4721886, MONDO:0012277, OMIM 609452.
Dilated cardiomyopathy 1C (CMD1C). Also called: CARDIOMYOPATHY, DILATED, 1C, WITH OR WITHOUT LEFT VENTRICULAR NONCOMPACTION; Cardiomyopathy, dilated, 1C, with or without LVNC. Identifiers: Orphanet 154, Orphanet 54260, MedGen C1832244, MONDO:0011094, OMIM 601493.

Allele frequency attached by ClinVar (database versions not stated): gnomAD exomes below 0.00001.
gnomAD v4.1: 2 of 1,614,132 alleles (0.00012%); highest among the groups gnomAD compares: East Asian, 0.0045%; no homozygotes.

Submissions (2):

Labcorp Genetics (formerly Invitae), Labcorp
Classification: Likely benign for Myofibrillar myopathy 4. Last evaluated: 2023-03-27. Review status: criteria provided, single submitter. Criteria: Invitae Variant Classification Sherloc (09022015). Collection method: clinical testing. Allele origin: germline.

Agnes Ginges Centre for Molecular Cardiology, Centenary Institute
Classification: Uncertain significance for Dilated cardiomyopathy 1C. Last evaluated: 2018-10-16. Review status: criteria provided, single submitter. Criteria: ACMG Guidelines, 2015. Collection method: research. Allele origin: germline. Inheritance: Autosomal dominant inheritance. Affected: yes.
Comment: LDB3 c.3222-5C>T has not been previously reported and is absent in the Genome Aggregation Database. Splice prediction tools MaxEntScan and AdaBoost do not predict this variant to cause aberrant splicing. Therefore we classify this as a variant of 'uncertain significance'.

NM_007078.3(LDB3):c.689+3870C>T

Genes: LDB3 (LIM domain binding 3; plus strand), LOC110121486 (VISTA enhancer hs2143; plus strand). Cytogenetic location: 10q23.2.
Variant type: single nucleotide variant.
Coding change: c.689+3870C>T on transcript NM_007078.3 (MANE Select); 3870 bases into the intron after coding-DNA position 689, C replaced by T.
Molecular consequence: intron variant.
Genome position (GRCh38, 1-based): chr10:86,685,673, C>T. VCF-style: chr10-86685673-C-T. GRCh37 (hg19) VCF-style: chr10-88445430-C-T.
Other names: c.322-5C>T (NM_001080116.1, NM_001368068.1, NM_001368066.1 and 2 more transcripts); c.689+3870C>T (NM_001368064.1, NM_001368063.1, NM_001368065.1 and 1 more transcripts); c.690-1396C>T (NM_001171610.2, NM_001171611.2).
Identifiers: ClinVar variation 870087 (VCV000870087.4), dbSNP rs1028583921, ClinGen allele CA211179903.